The following is an entry in ClinVar:

NM_001999.4(FBN2):c.6919T>A (p.Ser2307Thr)

Gene: FBN2 (fibrillin 2; minus strand). Cytogenetic location: 5q23.3.
Variant type: single nucleotide variant.
Coding change: c.6919T>A on transcript NM_001999.4 (MANE Select); coding-DNA position 6919, T replaced by A.
Protein change: p.Ser2307Thr; replaces serine 2307 with threonine.
Molecular consequence: missense variant.
Genome position (GRCh38, 1-based): chr5:128,286,811, A>T on the plus strand (T>A on the coding strand, the complement: FBN2 is on the minus strand). VCF-style: chr5-128286811-A-T. GRCh37 (hg19) VCF-style: chr5-127622503-A-T.
Other names: short protein forms S2307T.
Identifiers: ClinVar variation 1042839 (VCV001042839.9), dbSNP rs1208950525, ClinGen allele CA360759087.
Genomic context (GRCh38, chr5:128,286,811, plus strand): 5'-TTCCAGGAGGGCAGATGCACATGAAGGTGCCGATTAGATTCTTACACATCATGCCCCTAG[A>T]TTCACAGTCGTGTAACCCTTCAGCACATTCATCCAGATCTAGAACAAAAAATAAAAATTA-3'
Protein context (NP_001990.2, residues 2297-2317): ECAEGLHDCE[Ser2307Thr]RGMMCKNLIG

ClinVar aggregate classification (germline): Uncertain significance (1 of 4 stars; one submission).

Conditions:
Congenital contractural arachnodactyly (CCA). Also called: BEALS SYNDROME; Beals-Hecht syndrome; Arthrogryposis, distal, type 9. Identifiers: Orphanet 115, MedGen C0220668, MONDO:0007363, OMIM 121050.

Allele frequency attached by ClinVar (database versions not stated): gnomAD exomes below 0.00001; gnomAD 0.00001; TOPMed 0.00001.
gnomAD v4.1: 3 of 1,613,966 alleles (0.00019%); highest among the groups gnomAD compares: Non-Finnish European, 0.00025%; no homozygotes.

Submission:

Labcorp Genetics (formerly Invitae), Labcorp
Classification: Uncertain significance for Congenital contractural arachnodactyly. Last evaluated: 2025-09-19. Review status: criteria provided, single submitter. Criteria: Invitae Variant Classification Sherloc (09022015). Collection method: clinical testing. Allele origin: germline.
Comment: This sequence change replaces serine, which is neutral and polar, with threonine, which is neutral and polar, at codon 2307 of the FBN2 protein (p.Ser2307Thr). This variant is present in population databases (no rsID available, gnomAD 0.002%). This variant has not been reported in the literature in individuals affected with FBN2-related conditions. ClinVar contains an entry for this variant (Variation ID: 1042839). Invitae Evidence Modeling of protein sequence and biophysical properties (such as structural, functional, and spatial information, amino acid conservation, physicochemical variation, residue mobility, and thermodynamic stability) indicates that this missense variant is not expected to disrupt FBN2 protein function with a negative predictive value of 80%. In summary, the available evidence is currently insufficient to determine the role of this variant in disease. Therefore, it has been classified as a Variant of Uncertain Significance.